The following is an entry in ClinVar:

NM_015046.7(SETX):c.2233C>T (p.Arg745Cys)

Gene: SETX (senataxin; minus strand). Cytogenetic location: 9q34.13.
Variant type: single nucleotide variant.
Coding change: c.2233C>T on transcript NM_015046.7 (MANE Select); coding-DNA position 2233, C replaced by T.
Protein change: p.Arg745Cys; replaces arginine 745 with cysteine.
Molecular consequence: missense variant.
Genome position (GRCh38, 1-based): chr9:132,329,365, G>A on the plus strand (C>T on the coding strand, the complement: SETX is on the minus strand). VCF-style: chr9-132329365-G-A. GRCh37 (hg19) VCF-style: chr9-135204752-G-A.
Other names: c.2233C>T, p.Arg745Cys (NM_001351527.2, NM_001351528.2); short protein forms R745C.
Identifiers: ClinVar variation 1176291 (VCV001176291.43), dbSNP rs780121182, ClinGen allele CA5297639.

ClinVar aggregate classification (germline): Conflicting classifications of pathogenicity. Review status: criteria provided, conflicting classifications (1 of 4 stars). 5 submissions from 5 submitters: Uncertain significance (4); Benign (1). Last evaluated 2026-01-21.

Conditions:
SETX-related disorder. Also called: SETX-related condition; SETX-related disorders. Identifiers: MedGen CN239403.
Amyotrophic lateral sclerosis type 4 (ALS4). Also called: NEURONOPATHY, DISTAL HEREDITARY MOTOR, WITH PYRAMIDAL FEATURES; AMYOTROPHIC LATERAL SCLEROSIS 4, JUVENILE. Identifiers: Orphanet 357043, MedGen C1865409, MONDO:0011223, OMIM 602433.
Spinocerebellar ataxia, autosomal recessive, with axonal neuropathy 2 (SCAN2). Also called: Ataxia with Oculomotor Apraxia; ATAXIA-OCULOMOTOR APRAXIA 2; Ataxia with Oculomotor Apraxia Type 2; Ataxia-ocular apraxia-2. Identifiers: Orphanet 64753, MedGen C1853761, MONDO:0018996, OMIM 606002.

Allele frequency attached by ClinVar (database versions not stated): gnomAD 0.00001; TOPMed 0.00001; gnomAD exomes 0.00006; ExAC 0.00007.
gnomAD v4.1: 67 of 1,613,822 alleles (0.0042%); highest among the groups gnomAD compares: South Asian, 0.018%; no homozygotes.

Submissions (5):

PreventionGenetics, part of Exact Sciences
Classification: Uncertain significance for SETX-related condition. Last evaluated: 2026-01-21. Review status: criteria provided, single submitter. Criteria: ACMG Guidelines, 2015. Collection method: clinical testing. Allele origin: germline.
Comment: The SETX c.2233C>T variant is predicted to result in the amino acid substitution p.Arg745Cys. This variant was reported as a variant of uncertain significance in a large cohort study of individuals with amyotrophic lateral sclerosis (Supp. Table 1, Hu et al. 2024. PubMed ID: 37952009). This variant is reported in 0.039% of alleles in individuals of South Asian descent in gnomAD. At this time, the clinical significance of this variant is uncertain due to the absence of conclusive functional and genetic evidence.

Labcorp Genetics (formerly Invitae), Labcorp
Classification: Benign for Amyotrophic lateral sclerosis type 4; Spinocerebellar ataxia, autosomal recessive, with axonal neuropathy 2. Last evaluated: 2025-12-29. Review status: criteria provided, single submitter. Criteria: Invitae Variant Classification Sherloc (09022015). Collection method: clinical testing. Allele origin: germline.

GeneDx
Classification: Uncertain significance. Last evaluated: 2025-07-31. Review status: criteria provided, single submitter. Criteria: GeneDx Variant Classification Process June 2021. Collection method: clinical testing. Allele origin: germline. Affected: yes.
Comment: Reported previously in a cohort of patients with definite or probable ALS; however, no case specific information was provided (PMID: 37952009); In silico analysis suggests that this missense variant does not alter protein structure/function; This variant is associated with the following publications: (PMID: 37952009)

Athena Diagnostics
Classification: Uncertain significance. Last evaluated: 2022-07-26. Review status: criteria provided, single submitter. Criteria: Athena Diagnostics Criteria. Collection method: clinical testing. Allele origin: unknown.

CeGaT Center for Human Genetics Tuebingen
Classification: Uncertain significance. Last evaluated: 2021-02-01. Review status: criteria provided, single submitter. Criteria: CeGaT Center For Human Genetics Tuebingen Variant Classification Criteria Version 2. Collection method: clinical testing. Allele origin: germline. Affected: yes. Observed: 1 variant allele.